The following is an entry in ClinVar:

ClinVar aggregate classification (germline): Uncertain significance (1 of 4 stars; one submission).

Submission:

Labcorp Genetics (formerly Invitae), Labcorp
Classification: Uncertain significance. Last evaluated: 2023-12-01. Review status: criteria provided, single submitter. Criteria: Invitae Variant Classification Sherloc (09022015). Collection method: clinical testing. Allele origin: germline.
Comment: This sequence change replaces histidine, which is basic and polar, with arginine, which is basic and polar, at codon 498 of the NTRK2 protein (p.His498Arg). This variant is not present in population databases (gnomAD no frequency). This variant has not been reported in the literature in individuals affected with NTRK2-related conditions. Advanced modeling of protein sequence and biophysical properties (such as structural, functional, and spatial information, amino acid conservation, physicochemical variation, residue mobility, and thermodynamic stability) performed at Invitae indicates that this missense variant is not expected to disrupt NTRK2 protein function with a negative predictive value of 80%. In summary, the available evidence is currently insufficient to determine the role of this variant in disease. Therefore, it has been classified as a Variant of Uncertain Significance.

NM_006180.6(NTRK2):c.1493A>G (p.His498Arg)

Gene: NTRK2 (neurotrophic receptor tyrosine kinase 2; plus strand). Cytogenetic location: 9q21.33.
Variant type: single nucleotide variant.
Coding change: c.1493A>G on transcript NM_006180.6 (MANE Select); coding-DNA position 1493, A replaced by G.
Protein change: p.His498Arg; replaces histidine 498 with arginine.
Molecular consequence: missense variant.
Genome position (GRCh38, 1-based): chr9:84,867,291, A>G. VCF-style: chr9-84867291-A-G. GRCh37 (hg19) VCF-style: chr9-87482206-A-G.
Other names: c.1445A>G, p.His482Arg (NM_001018064.3, NM_001018066.3, NM_001369532.1 and 2 more transcripts); c.1493A>G, p.His498Arg (NM_001018065.2, NM_001369537.1, NM_001381928.1); c.1409A>G, p.His470Arg (NM_001369534.1); c.977A>G, p.His326Arg (NM_001369535.1); c.1025A>G, p.His342Arg (NM_001369536.1); short protein forms H326R, H470R, H498R, H482R, H342R.
Identifiers: ClinVar variation 2780753 (VCV002780753.3), dbSNP rs2132057586, ClinGen allele CA374005653.
Genomic context (GRCh38, chr9:84,867,291, plus strand): 5'-TTCCATCTCCAGGCCCAGCCTCCGTTATCAGCAATGATGATGACTCTGCCAGCCCACTCC[A>G]TCACATCTCCAATGGGAGTAACACTCCATCTTCTTCGGAAGGTGGCCCAGATGCTGTCAT-3'
Protein context (NP_006171.2, residues 488-508): SNDDDSASPL[His498Arg]HISNGSNTPS